The following is an entry in ClinVar:

ClinVar aggregate classification (germline): Uncertain significance (1 of 4 stars; one submission).

Submission:

GeneDx
Classification: Uncertain significance. Last evaluated: 2024-09-18. Review status: criteria provided, single submitter. Criteria: GeneDx Variant Classification Process June 2021. Collection method: clinical testing. Allele origin: germline. Affected: yes.
Comment: Not observed at significant frequency in large population cohorts (gnomAD); In-frame deletion of 2 amino acid(s) in a non-repeat region; In silico analysis indicates that this variant does not alter protein structure/function; Has not been previously published as pathogenic or benign to our knowledge

NM_001394998.1(TANC2):c.5727_5732del (p.Val1910_Ser1911del)

Gene: TANC2 (tetratricopeptide repeat, ankyrin repeat and coiled-coil containing 2; plus strand). Cytogenetic location: 17q23.3.
Variant type: Deletion.
Coding change: c.5727_5732del on transcript NM_001394998.1 (MANE Select); coding-DNA positions 5727 to 5732, 6 bases deleted (AGTGTC; older notation c.5727_5732delAGTGTC).
Protein change: p.Val1910_Ser1911del.
Genome position (GRCh38, 1-based): chr17:63,421,457-63,421,462, AGTGTC deleted; deleting any 6 consecutive bases within chr17:63,421,456-63,421,462 gives the same sequence; the c. name uses the placement nearest the transcript's 3' end. VCF-style (leftmost placement, unchanged base first): chr17-63421455-CCAGTGT-C. GRCh37 (hg19) VCF-style: chr17-61498816-CCAGTGT-C.
Other names: c.5505_5510del, p.Val1836_Ser1837del (NM_001411076.1); c.5475_5480del, p.Val1826_Ser1827del (NM_025185.4).
Identifiers: ClinVar variation 3774069 (VCV003774069.1).